The following is an entry in ClinVar:

ClinVar aggregate classification (germline): Uncertain significance (1 of 4 stars; one submission).

Submission:

Labcorp Genetics (formerly Invitae), Labcorp
Classification: Uncertain significance. Last evaluated: 2022-04-24. Review status: criteria provided, single submitter. Criteria: Invitae Variant Classification Sherloc (09022015). Collection method: clinical testing. Allele origin: germline.
Comment: In summary, the available evidence is currently insufficient to determine the role of this variant in disease. Therefore, it has been classified as a Variant of Uncertain Significance. Algorithms developed to predict the effect of sequence changes on RNA splicing suggest that this variant may create or strengthen a splice site. This variant has not been reported in the literature in individuals affected with PIGU-related conditions. This variant is not present in population databases (gnomAD no frequency). This sequence change affects codon 350 of the PIGU mRNA. It is a 'silent' change, meaning that it does not change the encoded amino acid sequence of the PIGU protein. It affects a nucleotide within the consensus splice site.

NM_080476.5(PIGU):c.1050A>G (p.Arg350=)

Gene: PIGU (phosphatidylinositol glycan anchor biosynthesis class U; minus strand). Cytogenetic location: 20q11.22.
Variant type: single nucleotide variant.
Coding change: c.1050A>G on transcript NM_080476.5 (MANE Select); coding-DNA position 1050, A replaced by G.
Protein change: p.Arg350=; no amino-acid change (arginine 350 retained).
Molecular consequence: synonymous variant.
Genome position (GRCh38, 1-based): chr20:34,581,549, T>C on the plus strand (A>G on the coding strand, the complement: PIGU is on the minus strand). VCF-style: chr20-34581549-T-C. GRCh37 (hg19) VCF-style: chr20-33169353-T-C.
Identifiers: ClinVar variation 1960859 (VCV001960859.5), dbSNP rs1369639761, ClinGen allele CA510276092.